The following is an entry in ClinVar:

ClinVar aggregate classification (germline): Uncertain significance (1 of 4 stars; one submission).

Conditions:
Hereditary cancer-predisposing syndrome. Also called: Hereditary Cancer Syndrome; Hereditary neoplastic syndrome; Tumor predisposition; Neoplastic Syndromes, Hereditary. Identifiers: Orphanet 140162, MedGen C0027672, MeSH D009386, MONDO:0015356.
Cardiovascular phenotype. Identifiers: MedGen CN230736.

Submission:

Ambry Genetics
Classification: Uncertain significance for Cardiovascular phenotype; Hereditary cancer-predisposing syndrome. Last evaluated: 2024-09-22. Review status: criteria provided, single submitter. Criteria: Ambry Variant Classification Scheme 2023. Collection method: clinical testing. Allele origin: germline.
Comment: The c.2386_2388delATT variant (also known as p.I796del) is located in coding exon 20 of the LZTR1 gene. This variant results from an in-frame ATT deletion at nucleotide positions 2386 to 2388. This results in the in-frame deletion of an isoleucine at codon 796. This amino acid position is highly conserved in available vertebrate species. In addition, this alteration is predicted to be deleterious by in silico analysis (Choi Y et al. PLoS ONE. 2012; 7(10):e46688). Based on the available evidence, the clinical significance of this variant remains unclear.

NM_006767.4(LZTR1):c.2386_2388del (p.Ile796del)

Gene: LZTR1 (leucine zipper like post translational regulator 1; plus strand). Cytogenetic location: 22q11.21.
Variant type: Deletion.
Coding change: c.2386_2388del on transcript NM_006767.4 (MANE Select); coding-DNA positions 2386 to 2388, 3 bases deleted (ATT; older notation c.2386_2388delATT).
Protein change: p.Ile796del; deletes isoleucine 796.
Genome position (GRCh38, 1-based): chr22:20,996,946-20,996,948, ATT deleted. VCF-style (leftmost placement, unchanged base first): chr22-20996945-CATT-C. GRCh37 (hg19) VCF-style: chr22-21351234-CATT-C.
Other names: short protein forms I796del.
Identifiers: ClinVar variation 3541506 (VCV003541506.1).